The following is an entry in ClinVar:

NM_006514.4(SCN10A):c.1233T>A (p.Ile411=)

Gene: SCN10A (sodium voltage-gated channel alpha subunit 10; minus strand). Cytogenetic location: 3p22.2.
Variant type: single nucleotide variant.
Coding change: c.1233T>A on transcript NM_006514.4 (MANE Select); coding-DNA position 1233, T replaced by A.
Protein change: p.Ile411=; no amino-acid change (isoleucine 411 retained).
Molecular consequence: synonymous variant.
Genome position (GRCh38, 1-based): chr3:38,756,731, A>T on the plus strand (T>A on the coding strand, the complement: SCN10A is on the minus strand). VCF-style: chr3-38756731-A-T. GRCh37 (hg19) VCF-style: chr3-38798222-A-T.
Other names: c.1233T>A, p.Ile411= (NM_001293306.2, NM_001293307.2); c.1233T>A (NM_006514.3).
Identifiers: ClinVar variation 391615 (VCV000391615.6), dbSNP rs144482572, ClinGen allele CA2320934.
Genomic context (GRCh38, chr3:38,756,731, plus strand): 5'-AACCTCCTGCTCCTTCCGGAGCATCTCGAGGGCCTCCTGGAACTTCTTCTCCTTTGCTTC[A>T]ATTTCATCAGTGGTTGCCTGGTTCTGCTCCTCATACGCCATGGTGACTACAGCCAAGATC-3'
Protein context (NP_006505.4, residues 401-421): EEQNQATTDE[Ile411=]EAKEKKFQEA

ClinVar aggregate classification (germline): Likely benign. Review status: criteria provided, multiple submitters, no conflicts (2 of 4 stars). 4 submissions from 4 submitters: Likely benign (4). Last evaluated 2026-06-21.

Conditions:
SCN10A-related disorder. Also called: SCN10A-related condition.
Cardiovascular phenotype. Identifiers: MedGen CN230736.
Brugada syndrome. Also called: Sudden unexpected nocturnal death syndrome; Sudden Unexplained Death Syndrome; Sudden Unexplained Nocturnal Death Syndrome (SUNDS); Sudden unexplained nocturnal death syndrome. Identifiers: Orphanet 130, MedGen C1142166, MONDO:0015263.

Allele frequency attached by ClinVar (database versions not stated): gnomAD exomes below 0.00001 and 0.00003; ExAC 0.00002; gnomAD 0.00005; TOPMed 0.00005; ESP Exome Variant Server 0.00015; 1000 Genomes Project 30x 0.00016; 1000 Genomes Project 0.00020.
gnomAD v4.1: 16 of 1,614,134 alleles (0.00099%); highest among the groups gnomAD compares: African/African-American, 0.016%; no homozygotes.

Submissions (4):

PreventionGenetics, part of Exact Sciences
Classification: Likely benign for SCN10A-related condition. Last evaluated: 2026-06-21. Review status: criteria provided, single submitter. Criteria: ACMG Guidelines, 2015. Collection method: clinical testing. Allele origin: germline.
Comment: This variant is classified as likely benign based on ACMG/AMP sequence variant interpretation guidelines (Richards et al. 2015 PMID: 25741868, with internal and published modifications).

Labcorp Genetics (formerly Invitae), Labcorp
Classification: Likely benign for Brugada syndrome. Last evaluated: 2024-05-07. Review status: criteria provided, single submitter. Criteria: Invitae Variant Classification Sherloc (09022015). Collection method: clinical testing. Allele origin: germline.

Ambry Genetics
Classification: Likely benign for Cardiovascular phenotype. Last evaluated: 2021-09-15. Review status: criteria provided, single submitter. Criteria: Ambry Variant Classification Scheme 2023. Collection method: clinical testing. Allele origin: germline.

GeneDx
Classification: Likely benign. Last evaluated: 2016-12-12. Review status: criteria provided, single submitter. Criteria: GeneDx Variant Classification (06012015). Collection method: clinical testing. Allele origin: germline. Affected: yes.
Comment: This variant is considered likely benign or benign based on one or more of the following criteria: it is a conservative change, it occurs at a poorly conserved position in the protein, it is predicted to be benign by multiple in silico algorithms, and/or has population frequency not consistent with disease.